The following is an entry in ClinVar:

ClinVar aggregate classification (germline): Conflicting classifications of pathogenicity. Review status: criteria provided, conflicting classifications (1 of 4 stars). 4 submissions from 4 submitters: Uncertain significance (2); Benign (1); Likely benign (1). Last evaluated 2025-06-29.

Conditions:
Inborn genetic diseases. Identifiers: MedGen C0950123, MeSH D030342.
PIEZO1-related disorder. Also called: PIEZO1-Related Disorders; PIEZO1-related condition.

Allele frequency attached by ClinVar (database versions not stated): ExAC 0.00012; TOPMed 0.00013; gnomAD 0.00017; gnomAD exomes 0.00017; 1000 Genomes Project 0.00040; 1000 Genomes Project 30x 0.00047.
gnomAD v4.1: 255 of 1,540,298 alleles (0.017%); highest among the groups gnomAD compares: East Asian, 0.15%; no homozygotes.

Submissions (4):

Labcorp Genetics (formerly Invitae), Labcorp
Classification: Benign. Last evaluated: 2025-06-29. Review status: criteria provided, single submitter. Criteria: Invitae Variant Classification Sherloc (09022015). Collection method: clinical testing. Allele origin: germline.

PreventionGenetics, part of Exact Sciences
Classification: Uncertain significance for PIEZO1-related condition. Last evaluated: 2025-05-19. Review status: criteria provided, single submitter. Criteria: ACMG Guidelines, 2015. Collection method: clinical testing. Allele origin: germline.
Comment: The PIEZO1 c.4370C>T variant is predicted to result in the amino acid substitution p.Ala1457Val. This variant has been reported in the heterozygous state in an individual with clinical features consistent with dehydrated hereditary stomatocytosis (Nakahara et al. 2023. PubMed ID: 36864026). This variant is reported in 0.098% of alleles in individuals of East Asian descent in gnomAD. At this time, the clinical significance of this variant is uncertain due to the absence of conclusive functional and genetic evidence.

ARUP Laboratories, Molecular Genetics and Genomics, ARUP Laboratories
Classification: Likely benign. Last evaluated: 2024-05-21. Review status: criteria provided, single submitter. Criteria: ARUP Molecular Germline Variant Investigation Process 2024. Collection method: clinical testing. Allele origin: germline.

Ambry Genetics
Classification: Uncertain significance for Inborn genetic diseases. Last evaluated: 2021-09-01. Review status: criteria provided, single submitter. Criteria: Ambry Variant Classification Scheme 2023. Collection method: clinical testing. Allele origin: germline.

NM_001142864.4(PIEZO1):c.4370C>T (p.Ala1457Val)

Gene: PIEZO1 (piezo type mechanosensitive ion channel component 1 (Er blood group); minus strand). Cytogenetic location: 16q24.3.
Variant type: single nucleotide variant.
Coding change: c.4370C>T on transcript NM_001142864.4 (MANE Select); coding-DNA position 4370, C replaced by T.
Protein change: p.Ala1457Val; replaces alanine 1457 with valine.
Molecular consequence: missense variant.
Genome position (GRCh38, 1-based): chr16:88,723,294, G>A on the plus strand (C>T on the coding strand, the complement: PIEZO1 is on the minus strand). VCF-style: chr16-88723294-G-A. GRCh37 (hg19) VCF-style: chr16-88789702-G-A.
Other names: c.4370C>T (NM_001142864.3); c.2912C>T, p.Ala971Val (NM_014745.1); short protein forms A1457V, A971V.
Identifiers: ClinVar variation 2406341 (VCV002406341.7), dbSNP rs532444891, ClinGen allele CA8232169.